The following is an entry in ClinVar:

ClinVar aggregate classification (germline): Uncertain significance (1 of 4 stars; one submission).

gnomAD v4.1: 2 of 1,614,168 alleles (0.00012%); highest among the groups gnomAD compares: Non-Finnish European, 0.00017%; no homozygotes.

Submission:

Ambry Genetics
Classification: Uncertain significance. Last evaluated: 2025-01-11. Review status: criteria provided, single submitter. Criteria: Ambry Variant Classification Scheme 2023. Collection method: clinical testing. Allele origin: germline.
Comment: The p.H397Y variant (also known as c.1189C>T), located in coding exon 6 of the GALNT12 gene, results from a C to T substitution at nucleotide position 1189. The histidine at codon 397 is replaced by tyrosine, an amino acid with similar properties. This amino acid position is conserved. In addition, the in silico prediction for this alteration is inconclusive. Based on the available evidence, the clinical significance of this variant remains unclear.

NM_024642.5(GALNT12):c.1189C>T (p.His397Tyr)

Gene: GALNT12 (polypeptide N-acetylgalactosaminyltransferase 12; plus strand). Cytogenetic location: 9q22.33.
Variant type: single nucleotide variant.
Coding change: c.1189C>T on transcript NM_024642.5 (MANE Select); coding-DNA position 1189, C replaced by T.
Protein change: p.His397Tyr; replaces histidine 397 with tyrosine.
Molecular consequence: missense variant.
Genome position (GRCh38, 1-based): chr9:98,837,125, C>T. VCF-style: chr9-98837125-C-T. GRCh37 (hg19) VCF-style: chr9-101599407-C-T.
Other names: short protein forms H397Y.
Identifiers: ClinVar variation 3852650 (VCV003852650.1).